The following is an entry in ClinVar:

ClinVar aggregate classification (germline): Pathogenic (1 of 4 stars; one submission).

Allele frequency attached by ClinVar (database versions not stated): gnomAD exomes below 0.00001; gnomAD 0.00001; TOPMed 0.00001.

Submission:

Labcorp Genetics (formerly Invitae), Labcorp
Classification: Pathogenic. Last evaluated: 2026-01-06. Review status: criteria provided, single submitter. Criteria: Invitae Variant Classification Sherloc (09022015). Collection method: clinical testing. Allele origin: germline.
Comment: This sequence change creates a premature translational stop signal (p.Arg25Alafs*3) in the RP1 gene. It is expected to result in an absent or disrupted protein product. Loss-of-function variants in RP1 are known to be pathogenic (PMID: 11960024, 19933189). This variant is not present in population databases (gnomAD no frequency). This variant has not been reported in the literature in individuals affected with RP1-related conditions. ClinVar contains an entry for this variant (Variation ID: 1424798). For these reasons, this variant has been classified as Pathogenic.

Literature cited by the submitters: PubMed 11960024; PubMed 19933189.

NM_006269.2(RP1):c.72del (p.Arg25fs)

Gene: RP1 (RP1 axonemal microtubule associated; plus strand). Cytogenetic location: 8q12.1.
Variant type: Deletion.
Coding change: c.72del on transcript NM_006269.2 (MANE Select); coding-DNA position 72, one base deleted (T; older notation c.72delT).
Protein change: p.Arg25fs; shifts the reading frame from arginine 25.
Molecular consequence: frameshift variant.
Genome position (GRCh38, 1-based): chr8:54,621,038, T deleted. VCF-style (leftmost placement, unchanged base first): chr8-54621037-CT-C. GRCh37 (hg19) VCF-style: chr8-55533597-CT-C.
Other names: c.72del, p.Arg25fs (NM_001375654.1); short protein forms R25fs.
Identifiers: ClinVar variation 1424798 (VCV001424798.6), dbSNP rs921322180, ClinGen allele CA177234233.